The following is an entry in ClinVar:

NM_004310.5(RHOH):c.88C>T (p.Pro30Ser)

Gene: RHOH (ras homolog family member H; plus strand). Cytogenetic location: 4p14.
Variant type: single nucleotide variant.
Coding change: c.88C>T on transcript NM_004310.5 (MANE Select); coding-DNA position 88, C replaced by T.
Protein change: p.Pro30Ser; replaces proline 30 with serine.
Molecular consequence: missense variant.
Genome position (GRCh38, 1-based): chr4:40,243,474, C>T. VCF-style: chr4-40243474-C-T. GRCh37 (hg19) VCF-style: chr4-40245094-C-T.
Other names: c.88C>T, p.Pro30Ser (NM_001278359.2, NM_001278360.2, NM_001278361.2 and 8 more transcripts); short protein forms P30S.
Identifiers: ClinVar variation 944995 (VCV000944995.9), dbSNP rs1434343798, ClinGen allele CA356781834.

ClinVar aggregate classification (germline): Uncertain significance (1 of 4 stars; one submission).

Conditions:
T-cell immunodeficiency with epidermodysplasia verruciformis. Identifiers: Orphanet 324294, MedGen C4749500, MONDO:0017925.

Allele frequency attached by ClinVar (database versions not stated): gnomAD exomes below 0.00001.
gnomAD v4.1: 1 of 1,613,946 alleles (0.000062%); highest among the groups gnomAD compares: Non-Finnish European, 0.000085%; no homozygotes.

Submission:

Labcorp Genetics (formerly Invitae), Labcorp
Classification: Uncertain significance for T-cell immunodeficiency with epidermodysplasia verruciformis. Last evaluated: 2019-06-12. Review status: criteria provided, single submitter. Criteria: Invitae Variant Classification Sherloc (09022015). Collection method: clinical testing. Allele origin: germline.
Comment: In summary, the available evidence is currently insufficient to determine the role of this variant in disease. Therefore, it has been classified as a Variant of Uncertain Significance. Algorithms developed to predict the effect of missense changes on protein structure and function (SIFT, PolyPhen-2, Align-GVGD) all suggest that this variant is likely to be disruptive, but these predictions have not been confirmed by published functional studies and their clinical significance is uncertain. This variant has not been reported in the literature in individuals with RHOH-related conditions. This variant is not present in population databases (ExAC no frequency). This sequence change replaces proline with serine at codon 30 of the RHOH protein (p.Pro30Ser). The proline residue is highly conserved and there is a moderate physicochemical difference between proline and serine.